The following is an entry in ClinVar:

NM_000501.4(ELN):c.2086+8del

Gene: ELN (elastin; plus strand). Cytogenetic location: 7q11.23.
Variant type: Deletion.
Coding change: c.2086+8del on transcript NM_000501.4 (MANE Select); 8 bases into the intron after coding-DNA position 2086, one base deleted (T; older notation c.2086+8delT).
Molecular consequence: intron variant.
Genome position (GRCh38, 1-based): chr7:74,066,005, T deleted. VCF-style (leftmost placement, unchanged base first): chr7-74066004-GT-G. GRCh37 (hg19) VCF-style: chr7-73480334-GT-G.
Other names: c.2086+8delT (NM_000501.3); c.2047+273del (NM_001081754.3); c.1990+273del (NM_001081753.3); c.2272+8del (NM_001278939.2); c.2104+8del (NM_001278915.2); c.2032+273del (NM_001278912.2); c.2029+8del (NM_001081755.3); c.1888+273del (NM_001278916.2); and 5 more.
Identifiers: ClinVar variation 524224 (VCV000524224.9), dbSNP rs782078342, ClinGen allele CA4293373.

ClinVar aggregate classification (germline): Likely benign. Review status: criteria provided, multiple submitters, no conflicts (2 of 4 stars). 2 submissions from 2 submitters: Likely benign (2). Last evaluated 2025-04-27.

Conditions:
Supravalvar aortic stenosis (SVAS). Also called: Supravalvar aortic stenosis, Eisenberg type. Identifiers: Orphanet 3193, MedGen C0003499, MONDO:0008504, OMIM 185500, HP:0004381.
ELN-related disorder.

Allele frequency attached by ClinVar (database versions not stated): ExAC 0.00001; gnomAD exomes 0.00001 and 0.00002; TOPMed 0.00001.

Submissions (2):

PreventionGenetics, part of Exact Sciences
Classification: Likely benign for ELN-related condition. Last evaluated: 2025-04-27. Review status: criteria provided, single submitter. Criteria: ACMG Guidelines, 2015. Collection method: clinical testing. Allele origin: germline.
Comment: This variant is classified as likely benign based on ACMG/AMP sequence variant interpretation guidelines (Richards et al. 2015 PMID: 25741868, with internal and published modifications).

Labcorp Genetics (formerly Invitae), Labcorp
Classification: Likely benign for Supravalvar aortic stenosis. Last evaluated: 2024-02-17. Review status: criteria provided, single submitter. Criteria: Invitae Variant Classification Sherloc (09022015). Collection method: clinical testing. Allele origin: germline.